The following is an entry in ClinVar:

NM_005186.4(CAPN1):c.532_558del (p.Val178_Phe186del)

Gene: CAPN1 (calpain 1; plus strand). Cytogenetic location: 11q13.1.
Variant type: Deletion.
Coding change: c.532_558del on transcript NM_005186.4 (MANE Select); coding-DNA positions 532 to 558, 27 bases deleted (GTGCACTCTGCCGAAGGCAACGAGTTC).
Protein change: p.Val178_Phe186del.
Molecular consequence: inframe deletion. On other transcripts: non-coding transcript variant (1).
Genome position (GRCh38, 1-based): chr11:65,185,992-65,186,018, GTGCACTCTGCCGAAGGCAACGAGTTC deleted; deleting any 27 consecutive bases within chr11:65,185,988-65,186,018 gives the same sequence; the c. name uses the placement nearest the transcript's 3' end. VCF-style (leftmost placement, unchanged base first): chr11-65185987-TGTTCGTGCACTCTGCCGAAGGCAACGA-T. GRCh37 (hg19) VCF-style: chr11-64953458-TGTTCGTGCACTCTGCCGAAGGCAACGA-T.
Other names: c.532_558del, p.Val178_Phe186del (NM_001198868.2, NM_001198869.2).
Identifiers: ClinVar variation 1333654 (VCV001333654.2), dbSNP rs2137317649, ClinGen allele CA2573053538.

ClinVar aggregate classification (germline): Uncertain significance (1 of 4 stars; one submission).

Conditions:
Autosomal recessive spastic paraplegia type 76. Identifiers: Orphanet 488594, MedGen C5567483, MONDO:0014827, OMIM 616907.

Submission:

3billion
Classification: Uncertain significance for Autosomal recessive spastic paraplegia type 76. Last evaluated: 2024-09-05. Review status: criteria provided, single submitter. Criteria: ACMG Guidelines, 2015. Collection method: clinical testing. Allele origin: germline. Affected: yes.
Comment: The variant is not observed in the gnomAD v4.0.0 dataset. Predicted Consequence/Location: Inframe deletion located in a nonrepeat region: predicted to change the length of the protein and disrupt normal protein function. The variant has been reported as of uncertain significance (3billion dataset). Therefore, this variant is classified as VUS according to the recommendation of ACMG/AMP guideline.